The following is an entry in ClinVar:

ClinVar aggregate classification (germline): Likely pathogenic. Review status: criteria provided, single submitter (1 of 4 stars). 2 submissions from 2 submitters: Likely pathogenic (1). 1 of the submissions does not count toward it. Last evaluated 2025-12-28.

Conditions:
Achromatopsia 2 (ACHM2). Also called: COLORBLINDNESS, TOTAL; ROD MONOCHROMACY 2; ROD MONOCHROMATISM 2. Identifiers: Orphanet 49382, MedGen C1857618, MONDO:0009003, OMIM 216900.

Submissions (2):

3billion
Classification: Likely pathogenic for Achromatopsia 2. Last evaluated: 2025-12-28. Review status: criteria provided, single submitter. Criteria: ACMG Guidelines, 2015. Collection method: clinical testing. Allele origin: germline. Affected: yes.
Comment: The variant is not observed in the gnomAD v4.1.0 dataset. Predicted Consequence/Location: Frameshift: predicted to result in a loss or disruption of normal protein function through protein truncation. Multiple pathogenic variants are reported in the predicted truncated region. The variant has been reported to be associated with CNGA3-related disorder (ClinVar ID: VCV001686891 /PMID: 30267408). Therefore, this variant is classified as Likely pathogenic according to the recommendation of ACMG/AMP guideline.

OMIM
Classification: Pathogenic for ACHROMATOPSIA 2. Last evaluated: 2022-04-19. Review status: no assertion criteria provided. Collection method: literature only. Allele origin: germline. Not counted in ClinVar's aggregate classification.

Literature cited by the submitters: PubMed 30267408 (cited by 3billion and OMIM).

NM_001298.3(CNGA3):c.1235_1236del (p.Glu412fs)

Gene: CNGA3 (cyclic nucleotide gated channel subunit alpha 3; plus strand). Cytogenetic location: 2q11.2.
Variant type: Microsatellite.
Coding change: c.1235_1236del on transcript NM_001298.3 (MANE Select); coding-DNA positions 1235 to 1236, 2 bases deleted (AG; older notation c.1235_1236delAG).
Protein change: p.Glu412fs; shifts the reading frame from glutamic acid 412.
Molecular consequence: frameshift variant.
Genome position (GRCh38, 1-based): chr2:98,396,405-98,396,406, AG deleted; deleting any 2 consecutive bases within chr2:98,396,403-98,396,406 gives the same sequence; the c. name uses the placement nearest the transcript's 3' end. VCF-style (leftmost placement, unchanged base first): chr2-98396402-CAG-C. GRCh37 (hg19) VCF-style: chr2-99012865-CAG-C.
Other names: c.1181_1182del, p.Glu394fs (NM_001079878.2); short protein forms E394fs, E412fs.
Identifiers: ClinVar variation 1686891 (VCV001686891.3), dbSNP rs1692914478, ClinGen allele CA1273419871.